The following is an entry in ClinVar:

ClinVar aggregate classification (germline): Pathogenic/Likely pathogenic. Review status: criteria provided, multiple submitters, no conflicts (2 of 4 stars). 2 submissions from 2 submitters: Pathogenic (1); Likely pathogenic (1). Last evaluated 2024-05-09.

Conditions:
Gastrointestinal defects and immunodeficiency syndrome 1 (GIDID1). Also called: Combined immunodeficiency-enteropathy spectrum. Identifiers: Orphanet 436252, MedGen C5968858, MONDO:0800030, OMIM 243150.

Allele frequency attached by ClinVar (database versions not stated): gnomAD exomes below 0.00001; gnomAD 0.00001.

Submissions (2):

Fulgent Genetics
Classification: Pathogenic for Gastrointestinal defects and immunodeficiency syndrome 1. Last evaluated: 2024-05-09. Review status: criteria provided, single submitter. Criteria: ACMG Guidelines, 2015. Collection method: clinical testing. Allele origin: germline.

GeneDx
Classification: Likely pathogenic. Last evaluated: 2024-02-13. Review status: criteria provided, single submitter. Criteria: GeneDx Variant Classification Process June 2021. Collection method: clinical testing. Allele origin: germline. Affected: yes.
Comment: Observed with a likely pathogenic variant on the opposite allele (in trans) in and individual with inflammatory bowel disease in published literature (PMID: 25174867); Observed in an individual with inflammatory bowel disease who harbored a second TTC7A variant, but it is not known whether the variants occurred on the same (in cis) or on different (in trans) chromosomes (PMID: 31743734); Frameshift variant predicted to result in protein truncation or nonsense mediated decay in a gene for which loss-of-function is a known mechanism of disease; Not observed at significant frequency in large population cohorts (gnomAD); This variant is associated with the following publications: (PMID: 31743734, 25174867, 27535533, 32888943)

NM_020458.4(TTC7A):c.911del (p.Leu304fs)

Gene: TTC7A (tetratricopeptide repeat domain 7A; plus strand). Cytogenetic location: 2p21.
Variant type: Deletion.
Coding change: c.911del on transcript NM_020458.4 (MANE Select); coding-DNA position 911, one base deleted (T; older notation c.911delT).
Protein change: p.Leu304fs; shifts the reading frame from leucine 304.
Molecular consequence: frameshift variant. On other transcripts: intron variant (1).
Genome position (GRCh38, 1-based): chr2:46,994,424, T deleted. VCF-style (leftmost placement, unchanged base first): chr2-46994423-CT-C. GRCh37 (hg19) VCF-style: chr2-47221562-CT-C.
Other names: c.911del (NM_001288951.1, NM_020458.3); c.911del, p.Leu304fs (NM_001288951.2); c.809del, p.Leu270fs (NM_001288953.2); c.-61-712del (NM_001288955.2); c.911delT (NM_020458.3); short protein forms L270fs, L304fs.
Identifiers: ClinVar variation 1205224 (VCV001205224.6), dbSNP rs1558551117, ClinGen allele CA532704521.
Genomic context (GRCh38, chr2:46,994,423, plus strand): 5'-GCCAAGCACCTGGCGGGGGTCCTGCTGCACTCCCTGAGTGAGGAGTGCTACTGGAGCCCC[CT>C]GTCCCACCCTCTGCCTGAGTTCATGGGCAAGGAGGAGAGTTCTTTCGCCACTCAGGCCCT-3'